The following is an entry in ClinVar:

NM_020987.5(ANK3):c.10321A>T (p.Ile3441Phe)

Gene: ANK3 (ankyrin 3; minus strand). Cytogenetic location: 10q21.2.
Variant type: single nucleotide variant.
Coding change: c.10321A>T on transcript NM_020987.5 (MANE Select); coding-DNA position 10321, A replaced by T.
Protein change: p.Ile3441Phe; replaces isoleucine 3441 with phenylalanine.
Molecular consequence: missense variant. On other transcripts: intron variant (4).
Genome position (GRCh38, 1-based): chr10:60,070,560, T>A on the plus strand (A>T on the coding strand, the complement: ANK3 is on the minus strand). VCF-style: chr10-60070560-T-A. GRCh37 (hg19) VCF-style: chr10-61830318-T-A.
Other names: c.4406-2551A>T (NM_001320874.2); c.1808-2551A>T (NM_001149.4); c.4388-2551A>T (NM_001204403.2); c.4409-2551A>T (NM_001204404.2); short protein forms I3441F.
Identifiers: ClinVar variation 4071829 (VCV004071829.2).

ClinVar aggregate classification (germline): Uncertain significance (1 of 4 stars; one submission).

Submission:

GeneDx
Classification: Uncertain significance. Last evaluated: 2026-04-16. Review status: criteria provided, single submitter. Criteria: GeneDx Variant Classification Process June 2021. Collection method: clinical testing. Allele origin: germline.
Comment: Not observed at significant frequency in large population cohorts (gnomAD); In silico analysis suggests that this missense variant does not alter protein structure/function; Has not been previously published as pathogenic or benign to our knowledge